The following is an entry in ClinVar:

ClinVar aggregate classification (germline): Benign. Review status: criteria provided, multiple submitters, no conflicts (2 of 4 stars). 6 submissions from 6 submitters: Benign (5). 1 of the submissions does not count toward it. Last evaluated 2026-01-27.

Conditions:
Warburg micro syndrome 1 (WARBM1). Identifiers: Orphanet 2510, MedGen C1838625, MONDO:0010822, OMIM 600118.

Allele frequency attached by ClinVar (database versions not stated): 1000 Genomes Project 30x 0.01577; gnomAD 0.01269 and 0.01188; 1000 Genomes Project 0.01418; gnomAD exomes 0.00310 and 0.00114; ExAC 0.00374; ESP Exome Variant Server 0.01322; TOPMed 0.01415.
gnomAD v4.1: 3,554 of 1,613,164 alleles (0.22%); highest among the groups gnomAD compares: African/African-American, 4.2%; 74 homozygotes.

Submissions (6):

Labcorp Genetics (formerly Invitae), Labcorp
Classification: Benign. Last evaluated: 2026-01-27. Review status: criteria provided, single submitter. Criteria: Invitae Variant Classification Sherloc (09022015). Collection method: clinical testing. Allele origin: germline.

Mayo Clinic Laboratories, Mayo Clinic
Classification: Benign. Last evaluated: 2025-09-30. Review status: criteria provided, single submitter. Criteria: ACMG Guidelines, 2015. Collection method: clinical testing. Allele origin: germline. Observed: 3 variant alleles.
Comment: BA1

Illumina Laboratory Services, Illumina
Classification: Benign for Warburg micro syndrome 1. Last evaluated: 2018-01-12. Review status: criteria provided, single submitter. Criteria: ICSL Variant Classification Criteria 13 December 2019. Collection method: clinical testing. Allele origin: germline.
Comment: This variant was observed in the ICSL laboratory as part of a predisposition screen in an ostensibly healthy population. It had not been previously curated by ICSL or reported in the Human Gene Mutation Database (HGMD: prior to June 1st, 2018), and was therefore a candidate for classification through an automated scoring system. Utilizing variant allele frequency, disease prevalence and penetrance estimates, and inheritance mode, an automated score was calculated to assess if this variant is too frequent to cause the disease. Based on the score and internal cut-off values, a variant classified as benign is not then subjected to further curation. The score for this variant resulted in a classification of benign for this disease.

GeneDx
Classification: Benign. Last evaluated: 2015-03-03. Review status: criteria provided, single submitter. Criteria: GeneDx Variant Classification Process June 2021. Collection method: clinical testing. Allele origin: germline. Affected: yes.

Breakthrough Genomics
Classification: Benign. Review status: criteria provided, single submitter. Criteria: ACMG Guidelines, 2015. Collection method: not provided. Allele origin: germline. Inheritance: Autosomal recessive inheritance. Affected: yes.

Genetic Services Laboratory, University of Chicago
Classification: Likely benign for AllHighlyPenetrant. Review status: no assertion criteria provided. Collection method: clinical testing. Allele origin: germline. Inheritance: Autosomal recessive inheritance. Not counted in ClinVar's aggregate classification.
Comment: Likely benign based on allele frequency in 1000 Genomes Project or ESP global frequency and its presence in a patient with a rare or unrelated disease phenotype. NOT Sanger confirmed.

NM_012233.3(RAB3GAP1):c.1041A>G (p.Arg347=)

Gene: RAB3GAP1 (RAB3 GTPase activating protein catalytic subunit 1; plus strand). Cytogenetic location: 2q21.3.
Variant type: single nucleotide variant.
Coding change: c.1041A>G on transcript NM_012233.3 (MANE Select); coding-DNA position 1041, A replaced by G.
Protein change: p.Arg347=; no amino-acid change (arginine 347 retained).
Molecular consequence: synonymous variant.
Genome position (GRCh38, 1-based): chr2:135,130,062, A>G. VCF-style: chr2-135130062-A-G. GRCh37 (hg19) VCF-style: chr2-135887632-A-G.
Other names: p.Arg347=; c.1041A>G, p.Arg347= (NM_001172435.2).
Identifiers: ClinVar variation 130061 (VCV000130061.23), dbSNP rs77972211, ClinGen allele CA154827.
Genomic context (GRCh38, chr2:135,130,062, plus strand): 5'-TGTCACTGAATTTTTTAAAATTTGCCGTCGAAAGGAGTCAACTGATGAGATTCTTGGACG[A>G]TCTGCATTTGAGGAAGAAGGCAAAGGTAACCTACATTTTTTTTTAACATTACTTTCAAAT-3'
Protein context (NP_036365.1, residues 337-357): RKESTDEILG[Arg347=]SAFEEEGKET